The following is an entry in ClinVar:

NM_001130823.3(DNMT1):c.2285A>T (p.Tyr762Phe)

Gene: DNMT1 (DNA methyltransferase 1; minus strand). Cytogenetic location: 19p13.2.
Variant type: single nucleotide variant.
Coding change: c.2285A>T on transcript NM_001130823.3 (MANE Select); coding-DNA position 2285, A replaced by T.
Protein change: p.Tyr762Phe; replaces tyrosine 762 with phenylalanine.
Molecular consequence: missense variant.
Genome position (GRCh38, 1-based): chr19:10,149,949, T>A on the plus strand (A>T on the coding strand, the complement: DNMT1 is on the minus strand). VCF-style: chr19-10149949-T-A. GRCh37 (hg19) VCF-style: chr19-10260625-T-A.
Other names: c.2237A>T, p.Tyr746Phe (NM_001318730.2, NM_001379.4); c.1922A>T, p.Tyr641Phe (NM_001318731.2); short protein forms Y746F, Y641F, Y762F.
Identifiers: ClinVar variation 2859653 (VCV002859653.3), dbSNP rs2513809602, ClinGen allele CA403929928.

ClinVar aggregate classification (germline): Uncertain significance (1 of 4 stars; one submission).

Conditions:
Hereditary sensory neuropathy-deafness-dementia syndrome. Also called: NEUROPATHY, HEREDITARY SENSORY, WITH HEARING LOSS AND DEMENTIA; Hereditary sensory neuropathy type IE; HSN IE; Hereditary Sensory and Autonomic Neuropathy Type 1E (HSAN1E). Identifiers: Orphanet 456318, MedGen C3279885, MONDO:0013584, OMIM 614116.

Submission:

Labcorp Genetics (formerly Invitae), Labcorp
Classification: Uncertain significance for Hereditary sensory neuropathy-deafness-dementia syndrome. Last evaluated: 2023-04-26. Review status: criteria provided, single submitter. Criteria: Invitae Variant Classification Sherloc (09022015). Collection method: clinical testing. Allele origin: germline.
Comment: This sequence change replaces tyrosine, which is neutral and polar, with phenylalanine, which is neutral and non-polar, at codon 762 of the DNMT1 protein (p.Tyr762Phe). This variant is not present in population databases (gnomAD no frequency). This variant has not been reported in the literature in individuals affected with DNMT1-related conditions. Advanced modeling of protein sequence and biophysical properties (such as structural, functional, and spatial information, amino acid conservation, physicochemical variation, residue mobility, and thermodynamic stability) performed at Invitae indicates that this missense variant is not expected to disrupt DNMT1 protein function. In summary, the available evidence is currently insufficient to determine the role of this variant in disease. Therefore, it has been classified as a Variant of Uncertain Significance.